The following is an entry in ClinVar:

ClinVar aggregate classification (germline): Uncertain significance (1 of 4 stars; one submission).

Conditions:
Familial cancer of breast. Also called: BREAST CANCER, FAMILIAL; Hereditary breast cancer; hereditary breast carcinoma. Identifiers: Orphanet 227535, MedGen C0346153, MONDO:0016419, OMIM 114480. Disease mechanism: loss of function.

Submission:

Labcorp Genetics (formerly Invitae), Labcorp
Classification: Uncertain significance for Familial cancer of breast. Last evaluated: 2017-04-17. Review status: criteria provided, single submitter. Criteria: Invitae Variant Classification Sherloc (09022015). Collection method: clinical testing. Allele origin: germline.
Comment: In summary, this variant is a novel missense change that is not predicted to affect protein function. There is no indication that it causes disease, but the available evidence is currently insufficient to prove that conclusively. Therefore, it has been classified as a Variant of Uncertain Significance. Algorithms developed to predict the effect of missense changes on protein structure and function (SIFT, PolyPhen-2, Align-GVGD) all suggest that this variant is likely to be tolerated, but these predictions have not been confirmed by published functional studies. This variant is not present in population databases (ExAC no frequency) and has not been reported in the literature in individuals with a PALB2-related disease. This sequence change replaces leucine with arginine at codon 1101 of the PALB2 protein (p.Leu1101Arg). The leucine residue is moderately conserved and there is a moderate physicochemical difference between leucine and arginine.

NM_024675.4(PALB2):c.3302T>G (p.Leu1101Arg)

Gene: PALB2 (partner and localizer of BRCA2; minus strand). Cytogenetic location: 16p12.2.
Variant type: single nucleotide variant.
Coding change: c.3302T>G on transcript NM_024675.4 (MANE Select); coding-DNA position 3302, T replaced by G.
Protein change: p.Leu1101Arg; replaces leucine 1101 with arginine.
Molecular consequence: missense variant.
Genome position (GRCh38, 1-based): chr16:23,607,912, A>C on the plus strand (T>G on the coding strand, the complement: PALB2 is on the minus strand). VCF-style: chr16-23607912-A-C. GRCh37 (hg19) VCF-style: chr16-23619233-A-C.
Other names: short protein forms L1101R.
Identifiers: ClinVar variation 460987 (VCV000460987.9), dbSNP rs1555458188, ClinGen allele CA395139488.